The following is an entry in ClinVar:

NM_000815.5(GABRD):c.967G>A (p.Ala323Thr)

Gene: GABRD (gamma-aminobutyric acid type A receptor subunit delta; plus strand). Cytogenetic location: 1p36.33.
Variant type: single nucleotide variant.
Coding change: c.967G>A on transcript NM_000815.5 (MANE Select); coding-DNA position 967, G replaced by A.
Protein change: p.Ala323Thr; replaces alanine 323 with threonine.
Molecular consequence: missense variant.
Genome position (GRCh38, 1-based): chr1:2,029,670, G>A. VCF-style: chr1-2029670-G-A. GRCh37 (hg19) VCF-style: chr1-1961109-G-A.
Other names: short protein forms A323T.
Identifiers: ClinVar variation 3694586 (VCV003694586.2).

ClinVar aggregate classification (germline): Uncertain significance (1 of 4 stars; one submission).

Conditions:
Idiopathic generalized epilepsy. Also called: EIG; Generalised epilepsy. Identifiers: MedGen C0270850, MONDO:0005579, OMIM 600669.

gnomAD v4.1: 1 of 1,613,584 alleles (0.000062%); highest among the groups gnomAD compares: Admixed American, 0.0017%; no homozygotes.

Submission:

Labcorp Genetics (formerly Invitae), Labcorp
Classification: Uncertain significance for Idiopathic generalized epilepsy. Last evaluated: 2024-02-15. Review status: criteria provided, single submitter. Criteria: Invitae Variant Classification Sherloc (09022015). Collection method: clinical testing. Allele origin: germline.
Comment: This sequence change replaces alanine, which is neutral and non-polar, with threonine, which is neutral and polar, at codon 323 of the GABRD protein (p.Ala323Thr). This variant is present in population databases (no rsID available, gnomAD 0.003%). This variant has not been reported in the literature in individuals affected with GABRD-related conditions. An algorithm developed to predict the effect of missense changes on protein structure and function (PolyPhen-2) suggests that this variant is likely to be disruptive. In summary, the available evidence is currently insufficient to determine the role of this variant in disease. Therefore, it has been classified as a Variant of Uncertain Significance.